The following is an entry in ClinVar:

NM_014874.4(MFN2):c.1090C>T (p.Arg364Trp)

Gene: MFN2 (mitofusin 2; plus strand). Cytogenetic location: 1p36.22.
Variant type: single nucleotide variant.
Coding change: c.1090C>T on transcript NM_014874.4 (MANE Select); coding-DNA position 1090, C replaced by T.
Protein change: p.Arg364Trp; replaces arginine 364 with tryptophan.
Molecular consequence: missense variant.
Genome position (GRCh38, 1-based): chr1:12,002,033, C>T. VCF-style: chr1-12002033-C-T. GRCh37 (hg19) VCF-style: chr1-12062090-C-T.
Other names: p.R364W:CGG>TGG; chr1-12002033-C-T; c.1090C>T, p.Arg364Trp (NM_001127660.2); short protein forms R364W.
Identifiers: ClinVar variation 2278 (VCV000002278.68), dbSNP rs119103265, ClinGen allele CA115469.
Genomic context (GRCh38, chr1:12,002,033, plus strand): 5'-GTGTTCCAGGAGTGCATCTCCCAGTCTGCAGTGAAGACCAAGTTTGAGCAGCACACGGTC[C>T]GGGCCAAGCAGATTGCAGAGGCGGTTCGACTCATCATGGACTCCCTGCACATGGCGGCTC-3'
Protein context (NP_055689.1, residues 354-374): VKTKFEQHTV[Arg364Trp]AKQIAEAVRL

ClinVar aggregate classification (germline): Pathogenic. Review status: criteria provided, multiple submitters, no conflicts (2 of 4 stars). 18 submissions from 16 submitters: Pathogenic (12). 6 of the submissions do not count toward it. Last evaluated 2025-12-14.

Conditions:
MFN2-related disorder. Also called: MFN2-related disorders; MFN2-related condition.
Charcot-Marie-Tooth disease. Also called: Charcot-Marie-Tooth Hereditary Neuropathy; Charcot-Marie-Tooth Neuropathy. Identifiers: Orphanet 166, MedGen C0007959, MONDO:0015626.
Charcot-Marie-Tooth disease type 4. Also called: Charcot-Marie-Tooth disease, type IV; Charcot-Marie-Tooth, Type 4. Identifiers: Orphanet 64749, MedGen C4082197, MONDO:0018995.
Charcot-Marie-Tooth disease type 2. Also called: Charcot-Marie-Tooth type 2. Identifiers: Orphanet 64746, MedGen C0270914, MONDO:0018993.
Hereditary motor and sensory neuropathy with optic atrophy. Also called: CHARCOT-MARIE-TOOTH DISEASE, TYPE 6; PERIPHERAL NEUROPATHY AND OPTIC ATROPHY. Identifiers: Orphanet 90120, MedGen C0393807, MONDO:0019551.
Charcot-Marie-Tooth disease type 2A2. Also called: CHARCOT-MARIE-TOOTH DISEASE, AXONAL, AUTOSOMAL DOMINANT, TYPE 2A2A; CHARCOT-MARIE-TOOTH DISEASE, AXONAL, TYPE 2A2; CHARCOT-MARIE-TOOTH DISEASE, NEURONAL, TYPE 2A2; Charcot-Marie-Tooth Neuropathy Type 2A2; HEREDITARY MOTOR AND SENSORY NEUROPATHY IIA2; HMSN IIA2. Identifiers: Orphanet 99947, MedGen C4721887, MONDO:0012231, OMIM 609260.

Submissions 1 to 12 of 18:

Labcorp Genetics (formerly Invitae), Labcorp
Classification: Pathogenic for Charcot-Marie-Tooth disease type 2. Last evaluated: 2025-12-14. Review status: criteria provided, single submitter. Criteria: Invitae Variant Classification Sherloc (09022015). Collection method: clinical testing. Allele origin: germline.
Comment: This sequence change replaces arginine, which is basic and polar, with tryptophan, which is neutral and slightly polar, at codon 364 of the MFN2 protein (p.Arg364Trp). This variant is not present in population databases (gnomAD no frequency). This missense change has been observed in individuals with Charcot-Marie-Tooth disease type 2A and hereditary motor and sensory neuropathy type VI (PMID: 16437557, 16835246, 21508331, 21707411, 22206013, 22492563, 25448007, 25802885, 27549087, 28063088). ClinVar contains an entry for this variant (Variation ID: 2278). Invitae Evidence Modeling of protein sequence and biophysical properties (such as structural, functional, and spatial information, amino acid conservation, physicochemical variation, residue mobility, and thermodynamic stability) has been performed for this missense variant. However, the output from this modeling did not meet the statistical confidence thresholds required to predict the impact of this variant on MFN2 protein function. This variant disrupts the p.Arg364 amino acid residue in MFN2. Other variant(s) that disrupt this residue have been determined to be pathogenic (PMID: 17444508, 18996695, 20008656, 21508331, 22492563). This suggests that this residue is clinically significant, and that variants that disrupt this residue are likely to be disease-causing. For these reasons, this variant has been classified as Pathogenic.

3billion
Classification: Pathogenic for Charcot-Marie-Tooth disease type 2A2. Last evaluated: 2025-08-28. Review status: criteria provided, single submitter. Criteria: ACMG Guidelines, 2015. Collection method: clinical testing. Allele origin: germline. Affected: yes.
Comment: The variant is not observed in the gnomAD v4.1.0 dataset. Predicted Consequence/Location: Missense variant Functional studies provide moderate evidence of the variant having a damaging effect on the gene or gene product (PMID: 29898954). In silico tool predictions suggest damaging effect of the variant on gene or gene product [REVEL: 0.86 (>=0.6, sensitivity 0.68 and specificity 0.92); 3Cnet: 0.99 (> 0.75, sensitivity 0.96 and precision 0.92)]. The same nucleotide change resulting in the same amino acid change has been previously reported as pathogenic/likely pathogenic with strong evidence (ClinVar ID: VCV000002278 /PMID: 16437557 /3billion dataset). The variant has been observed in multiple (>3) similarly affected unrelated individuals (PMID: 22206013, 22762946, 25448007, 28063088). Different missense changes at the same codon (p.Arg364Gln, p.Arg364Leu, p.Arg364Pro) have been reported as pathogenic/likely pathogenic with strong evidence (ClinVar ID: VCV000245944, VCV000572157, VCV000801445 /PMID: 17444508, 20008656 /3billion dataset). Therefore, this variant is classified as Pathogenic according to the recommendation of ACMG/AMP guideline.

Clinical Omics and Informatics (COIN) Unit, Neuroscience Institute, University Of Cape Town
Classification: Pathogenic for Charcot-Marie-Tooth disease type 2A2. Last evaluated: 2025-02-10. Review status: criteria provided, single submitter. Criteria: ACMG Guidelines, 2015. Collection method: research. Allele origin: germline. Inheritance: Autosomal dominant inheritance. Affected: yes. Observed: 1 variant allele, 1 heterozygote.
Comment: Analysis of variants by whole exome sequencing in previously established disease genes identified a heterozygous variant in exon 11 of the MFN2 gene (p.Arg364Trp, ClinVar VCV000002278.36) which is an established pathogenic variant for autosomal dominant Charcot-Marie-Tooth disease type 2A2 (MONDO:0012231). Sequencing funded by the International Centre for Genomic Medicine in Neuromuscular Diseases (ICGNMD).

Athena Diagnostics
Classification: Pathogenic. Last evaluated: 2024-05-20. Review status: criteria provided, single submitter. Criteria: Athena Diagnostics Criteria. Collection method: clinical testing. Allele origin: unknown.
Comment: This variant has not been reported in large, multi-ethnic general populations. This variant has been identified in multiple unrelated individuals with autosomal dominant Charcot-Marie-Tooth disease, including multiple de novo cases, and appears to segregate with disease in at least one family. Assessment of experimental evidence regarding the effect of this variant on protein function is inconclusive (PMID: 25448007, 29898954). At least one other missense variant at this codon is considered to be pathogenic or likely pathogenic, suggesting this variant may also cause disease.

Division of Human Genetics, National Health Laboratory Service/University of the Witwatersrand
Classification: Pathogenic for Charcot-Marie-Tooth disease type 2. Last evaluated: 2023-07-01. Review status: criteria provided, single submitter. Criteria: ACMG Guidelines, 2015. Collection method: research. Allele origin: germline. Affected: yes.

Genetics and Molecular Pathology, SA Pathology
Classification: Pathogenic for Charcot-Marie-Tooth disease type 2A2. Last evaluated: 2022-07-08. Review status: criteria provided, single submitter. Criteria: ACMG Guidelines, 2015. Collection method: clinical testing. Allele origin: germline. Inheritance: Autosomal dominant inheritance. Affected: yes.
Comment: The MFN2 c.1090C>T variant is classified as PATHOGENIC (PS2, PS4, PP3) The MFN2 c.1090C>T variant is a single nucleotide change in exon 11/19 of the MFN2 gene, which is predicted to change the amino acid arginine at position 364 in the protein to tryptophan. This variant has been reported in multiple individuals with Charcot-Marie-Tooth disease type 2 (PMID:24819634, PMID:21508331, PMID:28063088) (PS4). this variant has not been reported in dbSNP and is absent from population databases. This variant has been reported in ClinVar as pathogenic for Charcot-Marie-Tooth disease (ClinVar Variation ID: 2278). Other variants affecting this amino acid residue have also been reported as pathogenic suggesting this residue is clinically significant. Computational predictions support a deleterious effect on the gene or gene product (PP3).

GeneDx
Classification: Pathogenic. Last evaluated: 2022-04-12. Review status: criteria provided, single submitter. Criteria: GeneDx Variant Classification Process June 2021. Collection method: clinical testing. Allele origin: germline. Affected: yes.
Comment: Reported multiple times in association with hereditary motor and sensory neuropathy type VI and CMT2A in published literature (Zuchner et al., 2006; Chung et al., 2006; Gowrisankaran et al., 2011); Published functional studies demonstrate a damaging effect (Saporta et al., 2015); Not observed at significant frequency in large population cohorts (gnomAD); This variant is associated with the following publications: (PMID: 24819634, 16835246, 21707411, 31832804, 21508331, 31211173, 16437557, 22206013, 27549087, 30996168, 30649465, 20587496, 25802885, 22492563, 31673878, 31315766, 33578441, 30569560, 33074106, 33742459, 30830587, 25448007, 28063088, 24863639)

Laboratório de Neurologia Aplicada e Experimental, Faculdade de Medicina de Ribeirao Preto – Universidade de Sao Paulo
Classification: Pathogenic for Charcot-Marie-Tooth disease type 2A2. Last evaluated: 2021-07-20. Review status: criteria provided, single submitter. Criteria: ACMG Guidelines, 2015. Collection method: research. Allele origin: germline. Inheritance: Autosomal dominant inheritance. Affected: yes. Observed: 4 variant alleles, 4 heterozygotes.

Blueprint Genetics
Classification: Pathogenic for MFN2-related disorders. Last evaluated: 2020-12-18. Review status: criteria provided, single submitter. Criteria: ACMG Guidelines, 2015. Collection method: clinical testing. Allele origin: germline. Affected: yes. Observed: 2 variant alleles.

CMT Laboratory, Bogazici University
Classification: Pathogenic for Charcot-Marie-Tooth disease type 2A2. Last evaluated: 2020-12-01. Review status: criteria provided, single submitter. Criteria: ACMG Guidelines, 2015. Collection method: clinical testing. Allele origin: germline. Affected: yes. Observed: 2 variant alleles.

Baylor Genetics
Classification: Pathogenic for Neuropathy, hereditary motor and sensory, type 6A. Last evaluated: 2018-08-22. Review status: criteria provided, single submitter. Criteria: ACMG Guidelines, 2015. Collection method: clinical testing. Allele origin: de novo. Affected: yes.
Comment: This variant was determined to be pathogenic according to ACMG Guidelines, 2015 [PMID:25741868]. This variant has been previously reported as disease causing [PMID 16437557, 21707411, 27549087, 25448007, 28063088]

CeGaT Center for Human Genetics Tuebingen
Classification: Pathogenic. Last evaluated: 2018-06-01. Review status: criteria provided, single submitter. Criteria: CeGaT Center For Human Genetics Tuebingen Variant Classification Criteria Version 2. Collection method: clinical testing. Allele origin: germline. Affected: yes. Observed: 3 variant alleles.